The following is an entry in ClinVar:

NM_006017.3(PROM1):c.2130+2del

Gene: PROM1 (prominin 1; minus strand). Cytogenetic location: 4p15.32.
Variant type: Deletion.
Coding change: c.2130+2del on transcript NM_006017.3 (MANE Select); the canonical splice donor site of the intron after coding-DNA position 2130, one base deleted (T; older notation c.2130+2delT).
Molecular consequence: splice donor variant.
Genome position (GRCh38, 1-based): chr4:15,987,661, A deleted on the plus strand (T on the coding strand, the reverse complement: PROM1 is on the minus strand). VCF-style (leftmost placement, unchanged base first): chr4-15987660-TA-T. GRCh37 (hg19) VCF-style: chr4-15989283-TA-T.
Other names: c.2103+2del (NM_001145848.2, NM_001145852.2, NM_001145847.2 and 4 more transcripts); c.2130+2del (NM_001145850.2, NM_001145849.2).
Identifiers: ClinVar variation 941626 (VCV000941626.12), dbSNP rs768303070, ClinGen allele CA2866499.

ClinVar aggregate classification (germline): Pathogenic/Likely pathogenic. Review status: criteria provided, multiple submitters, no conflicts (2 of 4 stars). 4 submissions from 4 submitters: Pathogenic (2); Likely pathogenic (1). 1 of the submissions does not count toward it. Last evaluated 2025-12-01.

Conditions:
Autosomal recessive retinitis pigmentosa. Identifiers: MedGen C0339526.
PROM1-related disorder. Also called: PROM1-related disorders; PROM1-related condition.

Allele frequency attached by ClinVar (database versions not stated): gnomAD 0.00001; gnomAD exomes 0.00001 and 0.00003; ExAC 0.00005; TOPMed 0.00009.

Submissions (4):

GeneDx
Classification: Likely pathogenic. Last evaluated: 2025-12-01. Review status: criteria provided, single submitter. Criteria: GeneDx Variant Classification Process June 2021. Collection method: clinical testing. Allele origin: germline. Affected: yes.
Comment: Canonical splice site variant expected to result in aberrant splicing, although in the absence of functional evidence the actual effect of this sequence change is unknown.; This variant is associated with the following publications: (PMID: 26355662, 33188265, 32552793, 31964843, 31129250, 29186038)

Labcorp Genetics (formerly Invitae), Labcorp
Classification: Pathogenic. Last evaluated: 2025-11-03. Review status: criteria provided, single submitter. Criteria: Invitae Variant Classification Sherloc (09022015). Collection method: clinical testing. Allele origin: germline.
Comment: This sequence change affects a splice site in intron 19 of the PROM1 gene. It is expected to disrupt RNA splicing. Variants that disrupt the donor or acceptor splice site typically lead to a loss of protein function (PMID: 16199547), and loss-of-function variants in PROM1 are known to be pathogenic (PMID: 17605048, 19718270, 24154662, 25474345). This variant is present in population databases (rs768303070, gnomAD 0.02%). Disruption of this splice site has been observed in individuals with autosomal recessive PROM1-related conditions (PMID: 26355662, 29186038). ClinVar contains an entry for this variant (Variation ID: 941626). Algorithms developed to predict the effect of sequence changes on RNA splicing suggest that this variant may disrupt the consensus splice site. For these reasons, this variant has been classified as Pathogenic.

Blueprint Genetics
Classification: Pathogenic for PROM1-related disorders. Last evaluated: 2021-12-30. Review status: criteria provided, single submitter. Criteria: ACMG Guidelines, 2015. Collection method: clinical testing. Allele origin: germline. Affected: yes. Observed: 4 variant alleles.

Faculty of Health Sciences, Beirut Arab University
Classification: Pathogenic for Autosomal recessive Retinitis Pigmentosa. Last evaluated: 2015-09-10. Review status: no assertion criteria provided. Collection method: literature only. Allele origin: germline. Affected: yes. Observed: 1 variant allele. Not counted in ClinVar's aggregate classification.

Literature cited by the submitters: PubMed 16199547 (cited by Labcorp Genetics (formerly Invitae), Labcorp); PubMed 17605048 (cited by Labcorp Genetics (formerly Invitae), Labcorp); PubMed 19718270 (cited by Labcorp Genetics (formerly Invitae), Labcorp); PubMed 24154662 (cited by Labcorp Genetics (formerly Invitae), Labcorp); PubMed 25474345 (cited by Labcorp Genetics (formerly Invitae), Labcorp); PubMed 26355662 (cited by Labcorp Genetics (formerly Invitae), Labcorp and Faculty of Health Sciences, Beirut Arab University); PubMed 29186038 (cited by Labcorp Genetics (formerly Invitae), Labcorp).